The following is an entry in ClinVar:

NM_152384.3(BBS5):c.693T>C (p.Tyr231=)

Gene: BBS5 (Bardet-Biedl syndrome 5; plus strand). Cytogenetic location: 2q31.1.
Variant type: single nucleotide variant.
Coding change: c.693T>C on transcript NM_152384.3 (MANE Select); coding-DNA position 693, T replaced by C.
Protein change: p.Tyr231=; no amino-acid change (tyrosine 231 retained).
Molecular consequence: synonymous variant.
Genome position (GRCh38, 1-based): chr2:169,499,497, T>C. VCF-style: chr2-169499497-T-C. GRCh37 (hg19) VCF-style: chr2-170356007-T-C.
Other names: c.693T>C (NM_152384.2).
Identifiers: ClinVar variation 1114089 (VCV001114089.11), dbSNP rs150178711, ClinGen allele CA1956302.
Genomic context (GRCh38, chr2:169,499,497, plus strand): 5'-CTGTTCTTCAGACTTGTTGGGTTTTTTTTTATTATTTTTTCTCTTGTAGAGTGGTGGATA[T>C]GTTCTTGGCTTTAAAATAGATCCTGTGGAAAAACTACAAGAATCAGTTAAGGAAATCAAT-3'
Protein context (NP_689597.1, residues 221-241): VIESSQQSGG[Tyr231=]VLGFKIDPVE

ClinVar aggregate classification (germline): Likely benign. Review status: criteria provided, single submitter (1 of 4 stars). 2 submissions from 2 submitters: Likely benign (1). 1 of the submissions does not count toward it. Last evaluated 2023-09-29.

Conditions:
Bardet-Biedl syndrome (BBS). Identifiers: Orphanet 110, MedGen C0752166, MONDO:0015229.
BBS5-related disorder. Also called: BBS5-related condition.

Allele frequency attached by ClinVar (database versions not stated): gnomAD exomes 0.00001; ExAC 0.00002; gnomAD 0.00003 and 0.00004; TOPMed 0.00003; ESP Exome Variant Server 0.00015; 1000 Genomes Project 30x 0.00016; 1000 Genomes Project 0.00020.
gnomAD v4.1: 5 of 1,613,444 alleles (0.00031%); highest among the groups gnomAD compares: African/African-American, 0.0067%; no homozygotes.

Submissions (2):

Labcorp Genetics (formerly Invitae), Labcorp
Classification: Likely benign for Bardet-Biedl syndrome. Last evaluated: 2023-09-29. Review status: criteria provided, single submitter. Criteria: Invitae Variant Classification Sherloc (09022015). Collection method: clinical testing. Allele origin: germline.

PreventionGenetics, part of Exact Sciences
Classification: Likely benign for BBS5-related condition. Last evaluated: 2022-12-29. Review status: no assertion criteria provided. Collection method: clinical testing. Allele origin: germline. Not counted in ClinVar's aggregate classification.
Comment: This variant is classified as likely benign based on ACMG/AMP sequence variant interpretation guidelines (Richards et al. 2015 PMID: 25741868, with internal and published modifications).